The following is an entry in ClinVar:

NM_001029896.2(WDR45):c.235+1G>C

Genes: WDR45 (WD repeat domain 45; minus strand), LOC126863256 (BRD4-independent group 4 enhancer GRCh37_chrX:48934848-48936047; plus strand). Cytogenetic location: Xp11.23.
Variant type: single nucleotide variant.
Coding change: c.235+1G>C on transcript NM_001029896.2 (MANE Select); the canonical splice donor site of the intron after coding-DNA position 235, G replaced by C.
Molecular consequence: splice donor variant.
Genome position (GRCh38, 1-based): chrX:49,077,642, C>G on the plus strand (G>C on the coding strand, the complement: WDR45 is on the minus strand). VCF-style: chrX-49077642-C-G. GRCh37 (hg19) VCF-style: chrX-48935301-C-G.
Other names: c.235+1G>C (NM_007075.4).
Identifiers: ClinVar variation 4730732 (VCV004730732.1).

ClinVar aggregate classification (germline): Pathogenic (1 of 4 stars; one submission).

Conditions:
Neurodegeneration with brain iron accumulation 5 (NBIA5). Also called: STATIC ENCEPHALOPATHY OF CHILDHOOD WITH NEURODEGENERATION IN ADULTHOOD; Beta-propeller protein-associated neurodegeneration. Identifiers: Orphanet 329284, MedGen C3550973, MONDO:0010476, OMIM 300894.

Submission:

Labcorp Genetics (formerly Invitae), Labcorp
Classification: Pathogenic for Neurodegeneration with brain iron accumulation 5. Last evaluated: 2025-11-15. Review status: criteria provided, single submitter. Criteria: Invitae Variant Classification Sherloc (09022015). Collection method: clinical testing. Allele origin: germline.
Comment: This sequence change affects a donor splice site in intron 5 of the WDR45 gene. It is expected to disrupt RNA splicing. Variants that disrupt the donor or acceptor splice site typically lead to a loss of protein function (PMID: 16199547), and loss-of-function variants in WDR45 are known to be pathogenic (PMID: 23176820, 24368176, 24621584, 25744623, 26790960, 27030146, 27652284, 28554332). This variant is not present in population databases (gnomAD no frequency). Disruption of this splice site has been observed in individual(s) with WDR45-related conditions (PMID: 29682453). In at least one individual the variant was observed to be de novo. Algorithms developed to predict the effect of sequence changes on RNA splicing suggest that this variant may disrupt the consensus splice site. For these reasons, this variant has been classified as Pathogenic.

Literature cited by the submitters: PubMed 16199547; PubMed 23176820; PubMed 24368176; PubMed 24621584; PubMed 25744623; PubMed 26790960; PubMed 27030146; PubMed 27652284; PubMed 28554332; PubMed 29682453.